The following is an entry in ClinVar:

NM_153741.2(DPM3):c.55G>T (p.Val19Leu)

Gene: DPM3 (dolichyl-phosphate mannosyltransferase subunit 3, regulatory; minus strand). Cytogenetic location: 1q22.
Variant type: single nucleotide variant.
Coding change: c.55G>T on transcript NM_153741.2 (MANE Select); coding-DNA position 55, G replaced by T.
Protein change: p.Val19Leu; replaces valine 19 with leucine.
Molecular consequence: missense variant.
Genome position (GRCh38, 1-based): chr1:155,140,186, C>A on the plus strand (G>T on the coding strand, the complement: DPM3 is on the minus strand). VCF-style: chr1-155140186-C-A. GRCh37 (hg19) VCF-style: chr1-155112662-C-A.
Other names: c.145G>T, p.Val49Leu (NM_018973.4); short protein forms V19L, V49L.
Identifiers: ClinVar variation 538432 (VCV000538432.7), dbSNP rs141877691, ClinGen allele CA1138435.

ClinVar aggregate classification (germline): Uncertain significance. Review status: criteria provided, multiple submitters, no conflicts (2 of 4 stars). 3 submissions from 3 submitters: Uncertain significance (3). Last evaluated 2022-10-13.

Conditions:
DPM3-congenital disorder of glycosylation (MDDGC15). Also called: CDG Io; CDG1(DPM3); MUSCULAR DYSTROPHY-DYSTROGLYCANOPATHY (LIMB-GIRDLE), TYPE C, 15; DPM3-CDG. Identifiers: Orphanet 263494, MedGen C2752007, MONDO:0013049, OMIM 612937.

Allele frequency attached by ClinVar (database versions not stated): ESP Exome Variant Server 0.00023; gnomAD 0.00032; 1000 Genomes Project 0.00040; 1000 Genomes Project 30x 0.00047; TOPMed 0.00068.

Submissions (3):

Labcorp Genetics (formerly Invitae), Labcorp
Classification: Uncertain significance for DPM3-congenital disorder of glycosylation. Last evaluated: 2022-10-13. Review status: criteria provided, single submitter. Criteria: Invitae Variant Classification Sherloc (09022015). Collection method: clinical testing. Allele origin: germline.
Comment: This sequence change replaces valine, which is neutral and non-polar, with leucine, which is neutral and non-polar, at codon 19 of the DPM3 protein (p.Val19Leu). This variant is present in population databases (rs141877691, gnomAD 0.1%). This variant has not been reported in the literature in individuals affected with DPM3-related conditions. ClinVar contains an entry for this variant (Variation ID: 538432). Algorithms developed to predict the effect of missense changes on protein structure and function output the following: SIFT: "Tolerated"; PolyPhen-2: "Benign"; Align-GVGD: "Class C0". The leucine amino acid residue is found in multiple mammalian species, which suggests that this missense change does not adversely affect protein function. In summary, the available evidence is currently insufficient to determine the role of this variant in disease. Therefore, it has been classified as a Variant of Uncertain Significance.

Ambry Genetics
Classification: Uncertain significance. Last evaluated: 2021-08-02. Review status: criteria provided, single submitter. Criteria: Ambry Variant Classification Scheme 2023. Collection method: clinical testing. Allele origin: germline.

Breakthrough Genomics
Classification: Uncertain significance. Review status: criteria provided, single submitter. Criteria: ACMG Guidelines, 2015. Collection method: not provided. Allele origin: germline. Inheritance: Autosomal recessive inheritance. Affected: yes.